The following is an entry in ClinVar:

ClinVar aggregate classification (germline): Pathogenic. Review status: criteria provided, multiple submitters, no conflicts (2 of 4 stars). 3 submissions from 3 submitters: Pathogenic (3). Last evaluated 2026-08-19.

Conditions:
Familial intrahepatic cholestasis. Identifiers: Orphanet 284385, MedGen CN296401, MONDO:0017290.
Progressive familial intrahepatic cholestasis type 2. Identifiers: Orphanet 79304, MedGen C3489789, MONDO:0011156, OMIM 601847.
ABCB11-related disorder. Also called: ABCB11-related condition.

gnomAD v4.1: 3 of 1,612,990 alleles (0.00019%); highest among the groups gnomAD compares: Non-Finnish European, 0.00025%; no homozygotes.

Submissions (3):

Molecular Genetics Laboratory, CHU Lille
Classification: Pathogenic for Progressive familial intrahepatic cholestasis type 2. Last evaluated: 2026-08-19. Review status: criteria provided, single submitter. Criteria: ACMG Guidelines, 2015. Collection method: clinical testing. Allele origin: germline. Affected: yes.
Comment: This variant is a canonical splice site alteration affecting intron 23, predicted to disrupt mRNA splicing and exert a deleterious effect on the ABCB11 protein. In summary, this variant meets the criteria to be classified as pathogenic for PFIC2 based on the applied ACMG/AMP guidelines (PVS1, PP5, PM2).

PreventionGenetics, part of Exact Sciences
Classification: Pathogenic for ABCB11-related condition. Last evaluated: 2026-08-14. Review status: criteria provided, single submitter. Criteria: ACMG Guidelines, 2015. Collection method: clinical testing. Allele origin: germline.
Comment: The ABCB11 c.3057-2A>G variant is predicted to disrupt the AG splice acceptor site and interfere with normal splicing. This variant has been reported in individual(s) with intrahepatic cholestasis, familial progressive (see for example, Table S2. Dröge et al. 2017. PubMed ID: 28733223). This variant has not been reported in a large population database (gnomAD), indicating this variant is rare. Variants that disrupt the consensus splice acceptor site in ABCB11 are expected to be pathogenic. This variant is interpreted as pathogenic.

Genomenon, Inc
Classification: Pathogenic for Familial intrahepatic cholestasis. Last evaluated: 2026-04-14. Review status: criteria provided, single submitter. Criteria: Genomenon Sequence Variant Interpretation Standards - Updated. Collection method: curation. Allele origin: germline. Affected: yes.
Comment: ABCB11 c.3057-2A>G is a canonical splice variant affecting the acceptor splice site of intron 23. It is predicted to affect mRNA splicing, leading to a deleterious effect on the ABCB11 protein. This variant has been observed in at least one proband with an ABCB11-related disorder (PMID:28733223). It is absent or not present at a significant frequency in gnomAD. In conclusion, we classify ABCB11 c.3057-2A>G as a pathogenic variant.

Literature cited by the submitters: PubMed 28733223 (cited by Molecular Genetics Laboratory, CHU Lille and Genomenon, Inc).

NM_003742.4(ABCB11):c.3057-2A>G

Gene: ABCB11 (ATP binding cassette subfamily B member 11; minus strand). Cytogenetic location: 2q31.1.
Variant type: single nucleotide variant.
Coding change: c.3057-2A>G on transcript NM_003742.4 (MANE Select); the canonical splice acceptor site of the intron before coding-DNA position 3057, A replaced by G.
Molecular consequence: splice acceptor variant.
Genome position (GRCh38, 1-based): chr2:168,932,535, T>C on the plus strand (A>G on the coding strand, the complement: ABCB11 is on the minus strand). VCF-style: chr2-168932535-T-C. GRCh37 (hg19) VCF-style: chr2-169789045-T-C.
Other names: c.3057-2A>G (NM_003742.2).
Identifiers: ClinVar variation 4846706 (VCV004846706.3).